The following is an entry in ClinVar:

NM_001277115.2(DNAH11):c.4005T>A (p.Tyr1335Ter)

Gene: DNAH11 (dynein axonemal heavy chain 11; plus strand). Cytogenetic location: 7p15.3.
Variant type: single nucleotide variant.
Coding change: c.4005T>A on transcript NM_001277115.2 (MANE Select); coding-DNA position 4005, T replaced by A.
Protein change: p.Tyr1335Ter; replaces tyrosine 1335 with a stop codon.
Molecular consequence: nonsense.
Genome position (GRCh38, 1-based): chr7:21,615,266, T>A. VCF-style: chr7-21615266-T-A. GRCh37 (hg19) VCF-style: chr7-21654884-T-A.
Other names: c.4005T>A, p.Tyr1335Ter (NM_003777.3); short protein forms Y1335*.
Identifiers: ClinVar variation 2797932 (VCV002797932.3), dbSNP rs769315133, ClinGen allele CA366951346.

ClinVar aggregate classification (germline): Pathogenic (1 of 4 stars; one submission).

Conditions:
Primary ciliary dyskinesia. Also called: Ciliary dyskinesia. Identifiers: Orphanet 244, MedGen C0008780, MONDO:0016575, HP:0012265.

Submission:

Labcorp Genetics (formerly Invitae), Labcorp
Classification: Pathogenic for Primary ciliary dyskinesia. Last evaluated: 2023-06-10. Review status: criteria provided, single submitter. Criteria: Invitae Variant Classification Sherloc (09022015). Collection method: clinical testing. Allele origin: germline.
Comment: This sequence change creates a premature translational stop signal (p.Tyr1335*) in the DNAH11 gene. It is expected to result in an absent or disrupted protein product. Loss-of-function variants in DNAH11 are known to be pathogenic (PMID: 18022865, 20513915, 22184204). This variant is not present in population databases (gnomAD no frequency). This variant has not been reported in the literature in individuals affected with DNAH11-related conditions. For these reasons, this variant has been classified as Pathogenic.

Literature cited by the submitters: PubMed 18022865; PubMed 20513915; PubMed 22184204.